The following is an entry in ClinVar:

ClinVar aggregate classification (germline): Conflicting classifications of pathogenicity. Review status: criteria provided, conflicting classifications (1 of 4 stars). 3 submissions from 3 submitters: Uncertain significance (1); Benign (1); Likely benign (1). Last evaluated 2026-09-11.

Conditions:
CREBBP-related disorder. Also called: CREBBP-related condition; CREBBP-related disorders.
Rubinstein-Taybi syndrome (RSTS). Identifiers: Orphanet 783, MedGen C0035934, MONDO:0019188.

Allele frequency attached by ClinVar (database versions not stated): gnomAD exomes 0.00002; TOPMed 0.00002; ExAC 0.00003; gnomAD 0.00003 and 0.00002; ESP Exome Variant Server 0.00008; 1000 Genomes Project 30x 0.00016; 1000 Genomes Project 0.00020.
gnomAD v4.1: 36 of 1,612,410 alleles (0.0022%); highest among the groups gnomAD compares: Admixed American, 0.0067%; no homozygotes.

Submissions (3):

PreventionGenetics, part of Exact Sciences
Classification: Uncertain significance for CREBBP-related condition. Last evaluated: 2026-09-11. Review status: criteria provided, single submitter. Criteria: ACMG Guidelines, 2015. Collection method: clinical testing. Allele origin: germline.
Comment: The CREBBP c.6728C>T variant is predicted to result in the amino acid substitution p.Ala2243Val. This alteration is located in exon 31. This variant was reported in an individual diagnosed with Rubinstein-Taybi syndrome, however no additional studies were done to support its pathogenicity (Coupry et al. 2002. PubMed ID: 12070251). This variant is reported in 0.0064% of alleles in individuals of African descent in gnomAD, and in a total of 6 heterozygous individuals of unknown phenotype, calling its pathogenicity into question. At this time, the clinical significance of this variant is uncertain due to the absence of conclusive functional and genetic evidence.

Labcorp Genetics (formerly Invitae), Labcorp
Classification: Benign for Rubinstein-Taybi syndrome. Last evaluated: 2024-07-06. Review status: criteria provided, single submitter. Criteria: Invitae Variant Classification Sherloc (09022015). Collection method: clinical testing. Allele origin: germline.

GeneDx
Classification: Likely benign. Last evaluated: 2020-06-29. Review status: criteria provided, single submitter. Criteria: GeneDx Variant Classification Process June 2021. Collection method: clinical testing. Allele origin: germline. Affected: yes.
Comment: See Variant Classification Assertion Criteria.

NM_004380.3(CREBBP):c.6728C>T (p.Ala2243Val)

Gene: CREBBP (CREB binding lysine acetyltransferase; minus strand). Cytogenetic location: 16p13.3.
Variant type: single nucleotide variant.
Coding change: c.6728C>T on transcript NM_004380.3 (MANE Select); coding-DNA position 6728, C replaced by T.
Protein change: p.Ala2243Val; replaces alanine 2243 with valine.
Molecular consequence: missense variant.
Genome position (GRCh38, 1-based): chr16:3,728,319, G>A on the plus strand (C>T on the coding strand, the complement: CREBBP is on the minus strand). VCF-style: chr16-3728319-G-A. GRCh37 (hg19) VCF-style: chr16-3778320-G-A.
Other names: c.6614C>T, p.Ala2205Val (NM_001079846.1); short protein forms A2205V, A2243V.
Identifiers: ClinVar variation 1678755 (VCV001678755.8), dbSNP rs190153828, ClinGen allele CA7869015.